The following is an entry in ClinVar:

NM_001383.6(DPH1):c.867G>C (p.Leu289=)

Gene: DPH1 (diphthamide biosynthesis 1; plus strand). Cytogenetic location: 17p13.3.
Variant type: single nucleotide variant.
Coding change: c.867G>C on transcript NM_001383.6 (MANE Select); coding-DNA position 867, G replaced by C.
Protein change: p.Leu289=; no amino-acid change (leucine 289 retained).
Molecular consequence: synonymous variant. On other transcripts: non-coding transcript variant (3), intron variant (2).
Genome position (GRCh38, 1-based): chr17:2,040,335, G>C. VCF-style: chr17-2040335-G-C. GRCh37 (hg19) VCF-style: chr17-1943629-G-C.
Other names: c.882G>C (NM_001383.4); c.462G>C, p.Leu154= (NM_001346576.2); c.858+24G>C (NM_001346574.1); c.825+24G>C (NM_001346575.1).
Identifiers: ClinVar variation 735332 (VCV000735332.6), dbSNP rs192388119, ClinGen allele CA8277167.
Genomic context (GRCh38, chr17:2,040,335, plus strand): 5'-GGCTGCTCGCCAAGAAGCCATAGCCACTGCCCGCTCAGCTAAGTCCTGGGGCCTTATTCT[G>C]GGCACTTTGGGCCGCCAGGGCAGTCCTAAGATCCTGGAGGTCAGTGGGCTCAGGACAGCC-3'
Protein context (NP_001374.4, residues 279-299): ARSAKSWGLI[Leu289=]GTLGRQGSPK

ClinVar aggregate classification (germline): Likely benign. Review status: criteria provided, multiple submitters, no conflicts (2 of 4 stars). 3 submissions from 3 submitters: Likely benign (2). 1 of the submissions does not count toward it. Last evaluated 2023-06-16.

Conditions:
DPH1-related disorder. Also called: DPH1-related condition.

Allele frequency attached by ClinVar (database versions not stated): gnomAD exomes 0.00003 and 0.00010; ExAC 0.00014; gnomAD 0.00035 and 0.00037; TOPMed 0.00043; 1000 Genomes Project 30x 0.00047; 1000 Genomes Project 0.00060; ESP Exome Variant Server 0.00065.
gnomAD v4.1: 101 of 1,614,008 alleles (0.0063%); highest among the groups gnomAD compares: African/African-American, 0.12%; no homozygotes.

Submissions (3):

Blueprint Genetics
Classification: Likely benign. Last evaluated: 2023-06-16. Review status: criteria provided, single submitter. Criteria: ACMG Guidelines, 2015. Collection method: clinical testing. Allele origin: germline.

Labcorp Genetics (formerly Invitae), Labcorp
Classification: Likely benign. Last evaluated: 2018-06-29. Review status: criteria provided, single submitter. Criteria: Invitae Variant Classification Sherloc (09022015). Collection method: clinical testing. Allele origin: germline.

PreventionGenetics, part of Exact Sciences
Classification: Likely benign for DPH1-related condition. Last evaluated: 2019-03-08. Review status: no assertion criteria provided. Collection method: clinical testing. Allele origin: germline. Not counted in ClinVar's aggregate classification.
Comment: This variant is classified as likely benign based on ACMG/AMP sequence variant interpretation guidelines (Richards et al. 2015 PMID: 25741868, with internal and published modifications).